The following is an entry in ClinVar:

ClinVar aggregate classification (germline): Likely benign (1 of 4 stars; one submission).

Conditions:
Marinesco-Sjögren syndrome (MSS). Also called: Marinesco-SjÃ¶gren syndrome; Marinesco-Sjogren Syndrome. Identifiers: Orphanet 559, MedGen C0024814, MONDO:0009567, OMIM 248800.

Allele frequency attached by ClinVar (database versions not stated): 1000 Genomes Project 30x 0.00265; 1000 Genomes Project 0.00339.
gnomAD v4.1: 340 of 152,244 alleles (0.22%); highest among the groups gnomAD compares: African/African-American, 0.75%; 1 homozygote.

Submission:

Illumina Laboratory Services, Illumina
Classification: Likely benign for Marinesco-Sjögren syndrome. Last evaluated: 2018-01-12. Review status: criteria provided, single submitter. Criteria: ICSL Variant Classification Criteria 13 December 2019. Collection method: clinical testing. Allele origin: germline.
Comment: This variant was observed in the ICSL laboratory as part of a predisposition screen in an ostensibly healthy population. It had not been previously curated by ICSL or reported in the Human Gene Mutation Database (HGMD: prior to June 1st, 2018), and was therefore a candidate for classification through an automated scoring system. Utilizing variant allele frequency, disease prevalence and penetrance estimates, and inheritance mode, an automated score was calculated to assess if this variant is too frequent to cause the disease. Based on the score and internal cut-off values, a variant classified as likely benign is not then subjected to further curation. The score for this variant resulted in a classification of likely benign for this disease.

NM_022464.5(SIL1):c.-94G>C

Genes: SIL1 (SIL1 nucleotide exchange factor; minus strand), LOC129994751 (ATAC-STARR-seq lymphoblastoid silent region 16405; plus strand). Cytogenetic location: 5q31.2.
Variant type: single nucleotide variant.
Coding change: c.-94G>C on transcript NM_022464.5 (MANE Select); 94 bases upstream of the start codon, G replaced by C.
Molecular consequence: 5 prime UTR variant.
Genome position (GRCh38, 1-based): chr5:139,198,352, C>G on the plus strand (G>C on the coding strand, the complement: SIL1 is on the minus strand). VCF-style: chr5-139198352-C-G. GRCh37 (hg19) VCF-style: chr5-138534041-C-G.
Other names: c.-182G>C (NM_001037633.2).
Identifiers: ClinVar variation 351106 (VCV000351106.5), dbSNP rs529012685, ClinGen allele CA10622791.
Genomic context (GRCh38, chr5:139,198,352, plus strand): 5'-GCAGACACAACTCCCACAATTCCAGGCGGCCGCGGCGGCGACCAGCTCCCCCTGCGCAAA[C>G]GCGGCGGCGACCGTCTGAGCCGGTGAGCTGGCAGCTGTCACGCCGCTCGCGGCCTCGCCC-3'